The following is an entry in ClinVar:

ClinVar aggregate classification (germline): Conflicting classifications of pathogenicity. Review status: criteria provided, conflicting classifications (1 of 4 stars). 3 submissions from 3 submitters: Uncertain significance (1); Likely benign (2). Last evaluated 2025-01-29.

Conditions:
Severe combined immunodeficiency due to DNA-PKcs deficiency. Also called: IMMUNODEFICIENCY 26 WITH NEUROLOGIC ABNORMALITIES; Immunodeficiency 26 with or without neurologic abnormalities. Identifiers: Orphanet 317425, MedGen C4014833, MONDO:0014423, OMIM 615966.

Allele frequency attached by ClinVar (database versions not stated): gnomAD 0.00006 and 0.00007; TOPMed 0.00011; gnomAD exomes 0.00013 and 0.00015; ExAC 0.00016.
gnomAD v4.1: 233 of 1,602,554 alleles (0.015%); highest among the groups gnomAD compares: Middle Eastern, 0.63%; 1 homozygote.

Submissions (3):

Labcorp Genetics (formerly Invitae), Labcorp
Classification: Uncertain significance for Severe combined immunodeficiency due to DNA-PKcs deficiency. Last evaluated: 2025-01-29. Review status: criteria provided, single submitter. Criteria: Invitae Variant Classification Sherloc (09022015). Collection method: clinical testing. Allele origin: germline.
Comment: This sequence change falls in intron 41 of the PRKDC gene. It does not directly change the encoded amino acid sequence of the PRKDC protein. It affects a nucleotide within the consensus splice site. This variant is present in population databases (rs780022870, gnomAD 0.02%). This variant has not been reported in the literature in individuals affected with PRKDC-related conditions. ClinVar contains an entry for this variant (Variation ID: 379417). Variants that disrupt the consensus splice site are a relatively common cause of aberrant splicing (PMID: 17576681, 9536098). Algorithms developed to predict the effect of sequence changes on RNA splicing suggest that this variant is not likely to affect RNA splicing. In summary, the available evidence is currently insufficient to determine the role of this variant in disease. Therefore, it has been classified as a Variant of Uncertain Significance.

Blueprint Genetics
Classification: Likely benign. Last evaluated: 2024-11-27. Review status: criteria provided, single submitter. Criteria: ACMG Guidelines, 2015. Collection method: clinical testing. Allele origin: germline.

GeneDx
Classification: Likely benign. Last evaluated: 2019-03-11. Review status: criteria provided, single submitter. Criteria: GeneDx Variant Classification Process June 2021. Collection method: clinical testing. Allele origin: germline. Affected: yes.

Literature cited by the submitters: PubMed 17576681 (cited by Labcorp Genetics (formerly Invitae), Labcorp); PubMed 9536098 (cited by Labcorp Genetics (formerly Invitae), Labcorp).

NM_006904.7(PRKDC):c.5571+5C>T

Gene: PRKDC (protein kinase, DNA-activated, catalytic subunit; minus strand). Cytogenetic location: 8q11.21.
Variant type: single nucleotide variant.
Coding change: c.5571+5C>T on transcript NM_006904.7 (MANE Select); 5 bases into the intron after coding-DNA position 5571, C replaced by T.
Molecular consequence: intron variant.
Genome position (GRCh38, 1-based): chr8:47,864,551, G>A on the plus strand (C>T on the coding strand, the complement: PRKDC is on the minus strand). VCF-style: chr8-47864551-G-A. GRCh37 (hg19) VCF-style: chr8-48777112-G-A.
Other names: c.5571+5C>T (NM_001081640.2).
Identifiers: ClinVar variation 379417 (VCV000379417.11), dbSNP rs780022870, ClinGen allele CA4740609.